The following is an entry in ClinVar:

ClinVar aggregate classification (germline): Uncertain significance (1 of 4 stars; one submission).

Conditions:
Cystic fibrosis (CF). Also called: MUCOVISCIDOSIS. Identifiers: Orphanet 586, MedGen C0010674, MONDO:0009061, OMIM 219700. Disease mechanism: loss of function.

Submission:

Ambry Genetics
Classification: Uncertain significance for Cystic fibrosis. Last evaluated: 2024-11-25. Review status: criteria provided, single submitter. Criteria: Ambry Variant Classification Scheme 2023. Collection method: clinical testing. Allele origin: germline.
Comment: The p.N886D variant (also known as c.2656A>G), located in coding exon 16 of the CFTR gene, results from an A to G substitution at nucleotide position 2656. The asparagine at codon 886 is replaced by aspartic acid, an amino acid with highly similar properties. This amino acid position is conserved. In addition, this alteration is predicted to be tolerated by in silico analysis. Based on the available evidence, the clinical significance of this variant remains unclear.

NM_000492.4(CFTR):c.2656A>G (p.Asn886Asp)

Gene: CFTR (CF transmembrane conductance regulator; plus strand). Cytogenetic location: 7q31.2.
Variant type: single nucleotide variant.
Coding change: c.2656A>G on transcript NM_000492.4 (MANE Select); coding-DNA position 2656, A replaced by G.
Protein change: p.Asn886Asp; replaces asparagine 886 with aspartic acid.
Molecular consequence: missense variant.
Genome position (GRCh38, 1-based): chr7:117,602,862, A>G. VCF-style: chr7-117602862-A-G. GRCh37 (hg19) VCF-style: chr7-117242916-A-G.
Other names: short protein forms N886D.
Identifiers: ClinVar variation 3491707 (VCV003491707.1).